The following is an entry in ClinVar:

NM_014809.4(KIAA0319):c.2973A>G (p.Lys991=)

Gene: KIAA0319 (KIAA0319; minus strand). Cytogenetic location: 6p22.3.
Variant type: single nucleotide variant.
Coding change: c.2973A>G on transcript NM_014809.4 (MANE Select); coding-DNA position 2973, A replaced by G.
Protein change: p.Lys991=; no amino-acid change (lysine 991 retained).
Molecular consequence: synonymous variant. On other transcripts: missense variant (2), intron variant (1).
Genome position (GRCh38, 1-based): chr6:24,551,501, T>C on the plus strand (A>G on the coding strand, the complement: KIAA0319 is on the minus strand). VCF-style: chr6-24551501-T-C. GRCh37 (hg19) VCF-style: chr6-24551729-T-C.
Other names: c.2946A>G, p.Lys982= (NM_001168374.2); c.2973A>G, p.Lys991= (NM_001168375.2, NM_001350403.2); c.2838A>G, p.Lys946= (NM_001168376.2, NM_001350406.2); c.1206A>G, p.Lys402= (NM_001252328.2); c.2955A>G, p.Lys985= (NM_001350404.2); c.2874A>G, p.Lys958= (NM_001350405.2); c.2882A>G, p.Lys961Arg (NM_001350407.2, NM_001350408.2); c.2517A>G, p.Lys839= (NM_001350409.2, NM_001350410.2); and 1 more; short protein forms K961R.
Identifiers: ClinVar variation 3059378 (VCV003059378.2), dbSNP rs807535, ClinGen allele CA3657044.

ClinVar aggregate classification (germline): Benign (0 of 4 stars; one submission).

Conditions:
KIAA0319-related disorder. Also called: KIAA0319-related condition.

Allele frequency attached by ClinVar (database versions not stated): 1000 Genomes Project 0.09744; 1000 Genomes Project 30x 0.09822; TOPMed 0.11488; gnomAD 0.11786; ExAC 0.12044; ESP Exome Variant Server 0.12048; gnomAD exomes 0.13342.
gnomAD v4.1: 211,464 of 1,603,368 alleles (13%); highest among the groups gnomAD compares: Non-Finnish European, 14%; 15,042 homozygotes.

Submission:

PreventionGenetics, part of Exact Sciences
Classification: Benign for KIAA0319-related condition. Last evaluated: 2019-12-23. Review status: no assertion criteria provided. Collection method: clinical testing. Allele origin: germline.
Comment: This variant is classified as benign based on ACMG/AMP sequence variant interpretation guidelines (Richards et al. 2015 PMID: 25741868, with internal and published modifications).